The following is an entry in ClinVar:

NM_000551.4(VHL):c.31G>C (p.Ala11Pro)

Gene: VHL (von Hippel-Lindau tumor suppressor; plus strand). Cytogenetic location: 3p25.3.
Variant type: single nucleotide variant.
Coding change: c.31G>C on transcript NM_000551.4 (MANE Select); coding-DNA position 31, G replaced by C.
Protein change: p.Ala11Pro; replaces alanine 11 with proline.
Molecular consequence: missense variant.
Genome position (GRCh38, 1-based): chr3:10,141,878, G>C. VCF-style: chr3-10141878-G-C. GRCh37 (hg19) VCF-style: chr3-10183562-G-C.
Other names: c.31G>C, p.Ala11Pro (NM_001354723.2, NM_198156.3); short protein forms A11P.
Identifiers: ClinVar variation 456583 (VCV000456583.17), dbSNP rs1236604706, ClinGen allele CA351747101.
Genomic context (GRCh38, chr3:10,141,878, plus strand): 5'-CCGGCCCGGGTGGTCTGGATCGCGGAGGGAATGCCCCGGAGGGCGGAGAACTGGGACGAG[G>C]CCGAGGTAGGCGCGGAGGAGGCAGGCGTCGAAGAGTACGGCCCTGAAGAAGACGGCGGGG-3'
Protein context (NP_000542.1, residues 1-21): MPRRAENWDE[Ala11Pro]EVGAEEAGVE

ClinVar aggregate classification (germline): Conflicting classifications of pathogenicity. Review status: criteria provided, conflicting classifications (1 of 4 stars). 4 submissions from 4 submitters: Uncertain significance (2); Likely benign (2). Last evaluated 2025-05-27.

Conditions:
Von Hippel-Lindau syndrome (VHLS). Also called: Von Hippel-Lindau; von Hippel–Lindau syndrome; VHL syndrome. Identifiers: Orphanet 892, MedGen C0019562, MONDO:0008667, OMIM 193300. Disease mechanism: loss of function.
Chuvash polycythemia. Also called: POLYCYTHEMIA, VHL-DEPENDENT. Identifiers: Orphanet 238557, MedGen C1837915, MONDO:0009892, OMIM 263400.
Hereditary cancer-predisposing syndrome. Also called: Hereditary Cancer Syndrome; Hereditary neoplastic syndrome; Tumor predisposition; Neoplastic Syndromes, Hereditary. Identifiers: Orphanet 140162, MedGen C0027672, MeSH D009386, MONDO:0015356.
Pheochromocytoma. Also called: MAX-Related Hereditary Paraganglioma-Pheochromocytoma Syndrome. Identifiers: Orphanet 29072, MedGen C0031511, MONDO:0008233, OMIM 171300, HP:0002666.
Nonpapillary renal cell carcinoma. Identifiers: Orphanet 422526, MedGen CN074294, MONDO:0007763, OMIM 144700.

Allele frequency attached by ClinVar (database versions not stated): gnomAD exomes 0.00001 and 0.00002; TOPMed 0.00001.
gnomAD v4.1: 4 of 1,533,894 alleles (0.00026%); highest among the groups gnomAD compares: East Asian, 0.0099%; no homozygotes.

Submissions (4):

Labcorp Genetics (formerly Invitae), Labcorp
Classification: Uncertain significance for Von Hippel-Lindau syndrome; Chuvash polycythemia. Last evaluated: 2025-05-27. Review status: criteria provided, single submitter. Criteria: Invitae Variant Classification Sherloc (09022015). Collection method: clinical testing. Allele origin: germline.
Comment: This sequence change replaces alanine, which is neutral and non-polar, with proline, which is neutral and non-polar, at codon 11 of the VHL protein (p.Ala11Pro). This variant is present in population databases (no rsID available, gnomAD 0.02%). This variant has not been reported in the literature in individuals affected with VHL-related conditions. ClinVar contains an entry for this variant (Variation ID: 456583). Invitae Evidence Modeling of protein sequence and biophysical properties (such as structural, functional, and spatial information, amino acid conservation, physicochemical variation, residue mobility, and thermodynamic stability) has been performed for this missense variant. However, the output from this modeling did not meet the statistical confidence thresholds required to predict the impact of this variant on VHL protein function. In summary, the available evidence is currently insufficient to determine the role of this variant in disease. Therefore, it has been classified as a Variant of Uncertain Significance.

Myriad Genetics, Inc.
Classification: Likely benign for Von Hippel-Lindau syndrome. Last evaluated: 2024-08-15. Review status: criteria provided, single submitter. Criteria: Myriad Autosomal Dominant, Autosomal Recessive and X-Linked Classification Criteria (2023). Collection method: clinical testing. Allele origin: unknown.
Comment: This variant is considered likely benign. This variant has been observed at a population frequency that is significantly greater than expected given the associated disease prevalence and penetrance.

Ambry Genetics
Classification: Likely benign for Hereditary cancer-predisposing syndrome. Last evaluated: 2024-06-03. Review status: criteria provided, single submitter. Criteria: Ambry Variant Classification Scheme 2023. Collection method: clinical testing. Allele origin: germline.

Fulgent Genetics
Classification: Uncertain significance for Nonpapillary renal cell carcinoma; Pheochromocytoma; Von Hippel-Lindau syndrome; Chuvash polycythemia. Last evaluated: 2018-10-31. Review status: criteria provided, single submitter. Criteria: ACMG Guidelines, 2015. Collection method: clinical testing. Allele origin: unknown.